The following is an entry in ClinVar:

NM_001382391.1(CSPP1):c.2383G>A (p.Glu795Lys)

Gene: CSPP1 (centrosome and spindle pole associated protein 1; plus strand). Cytogenetic location: 8q13.2.
Variant type: single nucleotide variant.
Coding change: c.2383G>A on transcript NM_001382391.1 (MANE Select); coding-DNA position 2383, G replaced by A.
Protein change: p.Glu795Lys; replaces glutamic acid 795 with lysine.
Molecular consequence: missense variant.
Genome position (GRCh38, 1-based): chr8:67,158,588, G>A. VCF-style: chr8-67158588-G-A. GRCh37 (hg19) VCF-style: chr8-68070823-G-A.
Other names: c.1333G>A, p.Glu445Lys (NM_001291339.2); c.2302G>A, p.Glu768Lys (NM_001363131.2); c.2188G>A, p.Glu730Lys (NM_001363132.2); c.2107G>A, p.Glu703Lys (NM_001363133.2); c.2449G>A, p.Glu817Lys (NM_001364869.1); c.2269G>A, p.Glu757Lys (NM_001364870.1); c.2215G>A, p.Glu739Lys (NM_001438330.1); c.2368G>A, p.Glu790Lys (NM_001438331.1, NM_024790.7); and 1 more; short protein forms E562K, E703K, E739K, E757K, E768K, E790K, E817K, E795K.
Identifiers: ClinVar variation 4525963 (VCV004525963.1).

ClinVar aggregate classification (germline): Uncertain significance (1 of 4 stars; one submission).

Submission:

Women's Health and Genetics/Laboratory Corporation of America, LabCorp
Classification: Uncertain significance. Last evaluated: 2025-07-11. Review status: criteria provided, single submitter. Criteria: LabCorp Variant Classification Summary - May 2015. Collection method: clinical testing. Allele origin: germline.
Comment: Variant summary: CSPP1 c.2368G>A (p.Glu790Lys) results in a conservative amino acid change in the encoded protein sequence. Algorithms developed to predict the effect of missense changes on protein structure and function are either unavailable or do not agree on the potential impact of this missense change. The variant was absent in 207718 control chromosomes. The available data on variant occurrences in the general population are insufficient to allow any conclusion about variant significance. To our knowledge, no occurrence of c.2368G>A in individuals affected with Joubert Syndrome 21 and no experimental evidence demonstrating its impact on protein function have been reported. No submitters have cited clinical-significance assessments for this variant to ClinVar. Based on the evidence outlined above, the variant was classified as uncertain significance.